The following is an entry in ClinVar:

ClinVar aggregate classification (germline): Uncertain significance. Review status: criteria provided, multiple submitters, no conflicts (2 of 4 stars). 2 submissions from 2 submitters: Uncertain significance (2). Last evaluated 2024-01-23.

Conditions:
Inborn genetic diseases. Identifiers: MedGen C0950123, MeSH D030342.

Allele frequency attached by ClinVar (database versions not stated): ExAC 0.00002; gnomAD exomes 0.00002.
gnomAD v4.1: 26 of 1,614,192 alleles (0.0016%); highest among the groups gnomAD compares: Non-Finnish European, 0.002%; no homozygotes.

Submissions (2):

Ambry Genetics
Classification: Uncertain significance for Inborn genetic diseases. Last evaluated: 2024-01-23. Review status: criteria provided, single submitter. Criteria: Ambry Variant Classification Scheme 2023. Collection method: clinical testing. Allele origin: germline.

Labcorp Genetics (formerly Invitae), Labcorp
Classification: Uncertain significance. Last evaluated: 2022-04-04. Review status: criteria provided, single submitter. Criteria: Invitae Variant Classification Sherloc (09022015). Collection method: clinical testing. Allele origin: germline.
Comment: This sequence change replaces valine, which is neutral and non-polar, with methionine, which is neutral and non-polar, at codon 1453 of the MYH3 protein (p.Val1453Met). This variant is present in population databases (rs759104309, gnomAD 0.002%). This variant has not been reported in the literature in individuals affected with MYH3-related conditions. Algorithms developed to predict the effect of missense changes on protein structure and function are either unavailable or do not agree on the potential impact of this missense change (SIFT: "Deleterious"; PolyPhen-2: "Benign"; Align-GVGD: "Class C15"). In summary, the available evidence is currently insufficient to determine the role of this variant in disease. Therefore, it has been classified as a Variant of Uncertain Significance.

NM_002470.4(MYH3):c.4357G>A (p.Val1453Met)

Genes: MYH3 (myosin heavy chain 3; minus strand), LOC130060295 (ATAC-STARR-seq lymphoblastoid active region 11731; plus strand). Cytogenetic location: 17p13.1.
Variant type: single nucleotide variant.
Coding change: c.4357G>A on transcript NM_002470.4 (MANE Select); coding-DNA position 4357, G replaced by A.
Protein change: p.Val1453Met; replaces valine 1453 with methionine.
Molecular consequence: missense variant.
Genome position (GRCh38, 1-based): chr17:10,634,182, C>T on the plus strand (G>A on the coding strand, the complement: MYH3 is on the minus strand). VCF-style: chr17-10634182-C-T. GRCh37 (hg19) VCF-style: chr17-10537499-C-T.
Other names: c.4357G>A (NM_002470.3); short protein forms V1453M.
Identifiers: ClinVar variation 2082339 (VCV002082339.5), dbSNP rs759104309, ClinGen allele CA8392245.